The following is an entry in ClinVar:

NM_015425.6(POLR1A):c.3526G>T (p.Ala1176Ser)

Gene: POLR1A (RNA polymerase I subunit A; minus strand). Cytogenetic location: 2p11.2.
Variant type: single nucleotide variant.
Coding change: c.3526G>T on transcript NM_015425.6 (MANE Select); coding-DNA position 3526, G replaced by T.
Protein change: p.Ala1176Ser; replaces alanine 1176 with serine.
Molecular consequence: missense variant.
Genome position (GRCh38, 1-based): chr2:86,041,935, C>A on the plus strand (G>T on the coding strand, the complement: POLR1A is on the minus strand). VCF-style: chr2-86041935-C-A. GRCh37 (hg19) VCF-style: chr2-86269058-C-A.
Other names: c.3526G>T (NM_015425.3); short protein forms A1176S.
Identifiers: ClinVar variation 1499835 (VCV001499835.7), dbSNP rs201757205, ClinGen allele CA1745753.

ClinVar aggregate classification (germline): Conflicting classifications of pathogenicity. Review status: criteria provided, conflicting classifications (1 of 4 stars). 2 submissions from 2 submitters: Uncertain significance (1); Likely benign (1). Last evaluated 2025-09-23.

Conditions:
Inborn genetic diseases. Identifiers: MedGen C0950123, MeSH D030342.

Allele frequency attached by ClinVar (database versions not stated): ExAC 0.00012; gnomAD exomes 0.00016 and 0.00029; gnomAD 0.00018 and 0.00019; TOPMed 0.00022; ESP Exome Variant Server 0.00025.
gnomAD v4.1: 453 of 1,614,086 alleles (0.028%); highest among the groups gnomAD compares: Non-Finnish European, 0.036%; no homozygotes.

Submissions (2):

Labcorp Genetics (formerly Invitae), Labcorp
Classification: Uncertain significance. Last evaluated: 2025-09-23. Review status: criteria provided, single submitter. Criteria: Invitae Variant Classification Sherloc (09022015). Collection method: clinical testing. Allele origin: germline.
Comment: This sequence change replaces alanine, which is neutral and non-polar, with serine, which is neutral and polar, at codon 1176 of the POLR1A protein (p.Ala1176Ser). This variant is present in population databases (rs201757205, gnomAD 0.03%). This variant has not been reported in the literature in individuals affected with POLR1A-related conditions. ClinVar contains an entry for this variant (Variation ID: 1499835). Invitae Evidence Modeling of protein sequence and biophysical properties (such as structural, functional, and spatial information, amino acid conservation, physicochemical variation, residue mobility, and thermodynamic stability) indicates that this missense variant is not expected to disrupt POLR1A protein function with a negative predictive value of 80%. In summary, the available evidence is currently insufficient to determine the role of this variant in disease. Therefore, it has been classified as a Variant of Uncertain Significance.

Ambry Genetics
Classification: Likely benign for Inborn genetic diseases. Last evaluated: 2021-07-20. Review status: criteria provided, single submitter. Criteria: Ambry Variant Classification Scheme 2023. Collection method: clinical testing. Allele origin: germline.